The following is an entry in ClinVar:

NM_003002.4(SDHD):c.150C>G (p.His50Gln)

Gene: SDHD (succinate dehydrogenase complex subunit D; plus strand). Cytogenetic location: 11q23.1.
Variant type: single nucleotide variant.
Coding change: c.150C>G on transcript NM_003002.4 (MANE Select); coding-DNA position 150, C replaced by G.
Protein change: p.His50Gln; replaces histidine 50 with glutamine.
Molecular consequence: missense variant. On other transcripts: non-coding transcript variant (1), intron variant (1).
Genome position (GRCh38, 1-based): chr11:112,087,954, C>G. VCF-style: chr11-112087954-C-G. GRCh37 (hg19) VCF-style: chr11-111958678-C-G.
Other names: c.150C>G, p.His50Gln (NM_001276503.2, NM_001276506.2); c.53-913C>G (NM_001276504.2); short protein forms H50Q.
Identifiers: ClinVar variation 1996499 (VCV001996499.4), dbSNP rs1865656404, ClinGen allele CA382617093.

ClinVar aggregate classification (germline): Uncertain significance (1 of 4 stars; one submission).

Conditions:
Paragangliomas with sensorineural hearing loss. Identifiers: MedGen C1868633.
Cowden syndrome 3 (CWS3). Identifiers: Orphanet 201, MedGen CN166604, MONDO:0014045.
Pheochromocytoma. Also called: MAX-Related Hereditary Paraganglioma-Pheochromocytoma Syndrome. Identifiers: Orphanet 29072, MedGen C0031511, MONDO:0008233, OMIM 171300, HP:0002666.
Carney-Stratakis syndrome. Also called: PARAGANGLIOMA AND GASTROINTESTINAL STROMAL TUMOR. Identifiers: Orphanet 97286, MedGen C1847319, MONDO:0011740, OMIM 606864.

Allele frequency attached by ClinVar (database versions not stated): TOPMed below 0.00001.

Submission:

Labcorp Genetics (formerly Invitae), Labcorp
Classification: Uncertain significance for Carney-Stratakis syndrome; Paragangliomas with sensorineural hearing loss; Pheochromocytoma; Cowden syndrome 3. Last evaluated: 2022-05-19. Review status: criteria provided, single submitter. Criteria: Invitae Variant Classification Sherloc (09022015). Collection method: clinical testing. Allele origin: germline.
Comment: This variant is not present in population databases (gnomAD no frequency). This sequence change replaces histidine, which is basic and polar, with glutamine, which is neutral and polar, at codon 50 of the SDHD protein (p.His50Gln). This variant has not been reported in the literature in individuals affected with SDHD-related conditions. Algorithms developed to predict the effect of missense changes on protein structure and function are either unavailable or do not agree on the potential impact of this missense change (SIFT: "Tolerated"; PolyPhen-2: "Probably Damaging"; Align-GVGD: "Class C0"). In summary, the available evidence is currently insufficient to determine the role of this variant in disease. Therefore, it has been classified as a Variant of Uncertain Significance.